The following is an entry in ClinVar:

NM_003106.4(SOX2):c.203A>G (p.Asn68Ser)

Genes: SOX2-OT (SOX2 overlapping transcript; plus strand), SOX2 (SRY-box transcription factor 2; plus strand), LOC108281177 (SOX2 5' regulatory region; plus strand). Cytogenetic location: 3q26.33.
Variant type: single nucleotide variant.
Coding change: c.203A>G on transcript NM_003106.4 (MANE Select); coding-DNA position 203, A replaced by G.
Protein change: p.Asn68Ser; replaces asparagine 68 with serine.
Molecular consequence: missense variant.
Genome position (GRCh38, 1-based): chr3:181,712,563, A>G. VCF-style: chr3-181712563-A-G. GRCh37 (hg19) VCF-style: chr3-181430351-A-G.
Other names: short protein forms N68S.
Identifiers: ClinVar variation 3721196 (VCV003721196.2).

ClinVar aggregate classification (germline): Uncertain significance (1 of 4 stars; one submission).

Conditions:
Anophthalmia/microphthalmia-esophageal atresia syndrome (MCOPS3). Also called: SOX2 Disorder; MICROPHTHALMIA AND ESOPHAGEAL ATRESIA SYNDROME; AEG SYNDROME. Identifiers: Orphanet 77298, MedGen C1859773, MONDO:0008799, OMIM 206900.

Submission:

Labcorp Genetics (formerly Invitae), Labcorp
Classification: Uncertain significance for Anophthalmia/microphthalmia-esophageal atresia syndrome. Last evaluated: 2024-10-02. Review status: criteria provided, single submitter. Criteria: Invitae Variant Classification Sherloc (09022015). Collection method: clinical testing. Allele origin: germline.
Comment: This sequence change replaces asparagine, which is neutral and polar, with serine, which is neutral and polar, at codon 68 of the SOX2 protein (p.Asn68Ser). This variant is not present in population databases (gnomAD no frequency). This variant has not been reported in the literature in individuals affected with SOX2-related conditions. Invitae Evidence Modeling of protein sequence and biophysical properties (such as structural, functional, and spatial information, amino acid conservation, physicochemical variation, residue mobility, and thermodynamic stability) indicates that this missense variant is expected to disrupt SOX2 protein function with a positive predictive value of 80%. In summary, the available evidence is currently insufficient to determine the role of this variant in disease. Therefore, it has been classified as a Variant of Uncertain Significance.